The following is an entry in ClinVar:

NM_005876.5(SPEG):c.4744G>A (p.Glu1582Lys)

Gene: SPEG (striated muscle enriched protein kinase; plus strand). Cytogenetic location: 2q35.
Variant type: single nucleotide variant.
Coding change: c.4744G>A on transcript NM_005876.5 (MANE Select); coding-DNA position 4744, G replaced by A.
Protein change: p.Glu1582Lys; replaces glutamic acid 1582 with lysine.
Molecular consequence: missense variant.
Genome position (GRCh38, 1-based): chr2:219,477,703, G>A. VCF-style: chr2-219477703-G-A. GRCh37 (hg19) VCF-style: chr2-220342425-G-A.
Other names: short protein forms E1582K.
Identifiers: ClinVar variation 3688051 (VCV003688051.2).

ClinVar aggregate classification (germline): Uncertain significance (1 of 4 stars; one submission).

Submission:

Labcorp Genetics (formerly Invitae), Labcorp
Classification: Uncertain significance. Last evaluated: 2024-07-01. Review status: criteria provided, single submitter. Criteria: Invitae Variant Classification Sherloc (09022015). Collection method: clinical testing. Allele origin: germline.
Comment: This sequence change replaces glutamic acid, which is acidic and polar, with lysine, which is basic and polar, at codon 1582 of the SPEG protein (p.Glu1582Lys). This variant is not present in population databases (gnomAD no frequency). This variant has not been reported in the literature in individuals affected with SPEG-related conditions. An algorithm developed to predict the effect of missense changes on protein structure and function (PolyPhen-2) suggests that this variant is likely to be tolerated. In summary, the available evidence is currently insufficient to determine the role of this variant in disease. Therefore, it has been classified as a Variant of Uncertain Significance.